The following is an entry in ClinVar:

NM_025243.4(SLC19A3):c.187T>C (p.Tyr63His)

Gene: SLC19A3 (solute carrier family 19 member 3; minus strand). Cytogenetic location: 2q36.3.
Variant type: single nucleotide variant.
Coding change: c.187T>C on transcript NM_025243.4 (MANE Select); coding-DNA position 187, T replaced by C.
Protein change: p.Tyr63His; replaces tyrosine 63 with histidine.
Molecular consequence: missense variant.
Genome position (GRCh38, 1-based): chr2:227,699,528, A>G on the plus strand (T>C on the coding strand, the complement: SLC19A3 is on the minus strand). VCF-style: chr2-227699528-A-G. GRCh37 (hg19) VCF-style: chr2-228564244-A-G.
Other names: short protein forms Y63H.
Identifiers: ClinVar variation 212193 (VCV000212193.18), dbSNP rs144817990, ClinGen allele CA206291.

ClinVar aggregate classification (germline): Uncertain significance. Review status: criteria provided, multiple submitters, no conflicts (2 of 4 stars). 4 submissions from 4 submitters: Uncertain significance (3). 1 of the submissions does not count toward it. Last evaluated 2025-12-03.

Conditions:
Biotin-responsive basal ganglia disease (BTBGD). Also called: THIAMINE METABOLISM DYSFUNCTION SYNDROME 2 (BIOTIN- AND THIAMINE-RESPONSIVE TYPE); Thiamine metabolism dysfunction syndrome 2 (biotin- or thiamine-responsive encephalopathy type 2); thiamine-responsive encephalopathy; Thiamine metabolism dysfunction syndrome type 2; Thiamine Transporter-2 Deficiency. Identifiers: Orphanet 199348, Orphanet 65284, MedGen C1843807, MONDO:0011841, OMIM 607483.
SLC19A3-related disorder. Also called: SLC19A3-related condition.

Allele frequency attached by ClinVar (database versions not stated): gnomAD exomes 0.00004 and 0.00012; ExAC 0.00012; 1000 Genomes Project 30x 0.00016; 1000 Genomes Project 0.00020; gnomAD 0.00051 and 0.00059; TOPMed 0.00057; ESP Exome Variant Server 0.00062.
gnomAD v4.1: 139 of 1,614,216 alleles (0.0086%); highest among the groups gnomAD compares: African/African-American, 0.18%; no homozygotes.

Submissions (4):

GeneDx
Classification: Uncertain significance. Last evaluated: 2025-12-03. Review status: criteria provided, single submitter. Criteria: GeneDx Variant Classification Process June 2021. Collection method: clinical testing. Allele origin: germline. Affected: yes.
Comment: In silico analysis supports that this missense variant has a deleterious effect on protein structure/function; Has not been previously published as pathogenic or benign in association with neurodevelopmental disorders to our knowledge; This variant is associated with the following publications: (PMID: 28402605)

Labcorp Genetics (formerly Invitae), Labcorp
Classification: Uncertain significance for Biotin-responsive basal ganglia disease. Last evaluated: 2022-10-03. Review status: criteria provided, single submitter. Criteria: Invitae Variant Classification Sherloc (09022015). Collection method: clinical testing. Allele origin: germline.
Comment: This sequence change replaces tyrosine, which is neutral and polar, with histidine, which is basic and polar, at codon 63 of the SLC19A3 protein (p.Tyr63His). This variant is present in population databases (rs144817990, gnomAD 0.2%). This variant has not been reported in the literature in individuals affected with SLC19A3-related conditions. ClinVar contains an entry for this variant (Variation ID: 212193). Advanced modeling of protein sequence and biophysical properties (such as structural, functional, and spatial information, amino acid conservation, physicochemical variation, residue mobility, and thermodynamic stability) performed at Invitae indicates that this missense variant is expected to disrupt SLC19A3 protein function. In summary, the available evidence is currently insufficient to determine the role of this variant in disease. Therefore, it has been classified as a Variant of Uncertain Significance.

Genetic Services Laboratory, University of Chicago
Classification: Uncertain significance. Last evaluated: 2014-11-24. Review status: criteria provided, single submitter. Criteria: ACMG Guidelines, 2015. Collection method: clinical testing. Allele origin: germline.

PreventionGenetics, part of Exact Sciences
Classification: Likely benign for SLC19A3-related condition. Last evaluated: 2022-02-27. Review status: no assertion criteria provided. Collection method: clinical testing. Allele origin: germline. Not counted in ClinVar's aggregate classification.
Comment: This variant is classified as likely benign based on ACMG/AMP sequence variant interpretation guidelines (Richards et al. 2015 PMID: 25741868, with internal and published modifications).